The following is an entry in ClinVar:

NM_016492.5(RANGRF):c.442G>C (p.Asp148His)

Genes: RANGRF (RAN guanine nucleotide release factor; plus strand), SLC25A35 (solute carrier family 25 member 35; minus strand). Cytogenetic location: 17p13.1.
Variant type: single nucleotide variant.
Coding change: c.442G>C on transcript NM_016492.5 (MANE Select); coding-DNA position 442, G replaced by C.
Protein change: p.Asp148His; replaces aspartic acid 148 with histidine.
Molecular consequence: missense variant. On other transcripts: 3 prime UTR variant (2), stop lost (1), intron variant (3).
Genome position (GRCh38, 1-based): chr17:8,289,817, G>C. VCF-style: chr17-8289817-G-C. GRCh37 (hg19) VCF-style: chr17-8193135-G-C.
Other names: *119S; c.*225G>C (NM_001177801.2); c.*256G>C (NM_001177802.2); c.356G>C, p.Ter119Ser (NM_001330127.2); c.860+37C>G (NM_001320871.2, NM_201520.3, NM_001320872.2); short protein forms D148H.
Identifiers: ClinVar variation 942103 (VCV000942103.11), dbSNP rs1990342112, ClinGen allele CA397997094.

ClinVar aggregate classification (germline): Uncertain significance (1 of 4 stars; one submission).

Conditions:
Cardiac arrhythmia. Also called: Cardiac rhythm disease; Arrhythmia. Identifiers: MedGen C0003811, MONDO:0007263, HP:0011675.

Submission:

Labcorp Genetics (formerly Invitae), Labcorp
Classification: Uncertain significance for Cardiac arrhythmia. Last evaluated: 2020-03-06. Review status: criteria provided, single submitter. Criteria: Invitae Variant Classification Sherloc (09022015). Collection method: clinical testing. Allele origin: germline.
Comment: In summary, the available evidence is currently insufficient to determine the role of this variant in disease. Therefore, it has been classified as a Variant of Uncertain Significance. Algorithms developed to predict the effect of missense changes on protein structure and function output the following: SIFT: "Tolerated"; PolyPhen-2: "Benign"; Align-GVGD: "Class C0". The histidine amino acid residue is found in multiple mammalian species, suggesting that this missense change does not adversely affect protein function. These predictions have not been confirmed by published functional studies and their clinical significance is uncertain. This variant has not been reported in the literature in individuals with RANGRF-related conditions. This variant is not present in population databases (ExAC no frequency). This sequence change replaces aspartic acid with histidine at codon 148 of the RANGRF protein (p.Asp148His). The aspartic acid residue is moderately conserved and there is a moderate physicochemical difference between aspartic acid and histidine.